The following is an entry in ClinVar:

ClinVar aggregate classification (germline): other (0 of 4 stars; one submission).

Conditions:
Familial colorectal cancer. Identifiers: MedGen CN280943, MONDO:0023113. Disease mechanism: loss of function.

Submission:

Systems Biology Platform Zhejiang California International NanoSystems Institute
Classification: other for Familial colorectal cancer. Review status: no assertion criteria provided. Collection method: not provided. Allele origin: unknown.
ClinVar note: Converted during submission from cancer to other.

NM_000038.6(APC):c.1959-145T>A

Gene: APC (APC regulator of WNT signaling pathway; plus strand). Cytogenetic location: 5q22.2.
Variant type: single nucleotide variant.
Coding change: c.1959-145T>A on transcript NM_000038.6 (MANE Select); 145 bases into the intron before coding-DNA position 1959, T replaced by A.
Molecular consequence: intron variant.
Genome position (GRCh38, 1-based): chr5:112,837,408, T>A. VCF-style: chr5-112837408-T-A. GRCh37 (hg19) VCF-style: chr5-112173105-T-A.
Other names: c.1959-145T>A (NM_001354895.2, NM_001127510.3); c.1989-145T>A (NM_001354897.2); c.1686-145T>A (NM_001354902.2); c.1905-145T>A (NM_001127511.3); c.1884-145T>A (NM_001354898.2); c.1581-145T>A (NM_001354904.2); c.1110-145T>A (NM_001354906.2); c.2013-145T>A (NM_001354896.2); and 5 more.
Identifiers: ClinVar variation 83230 (VCV000083230.2), dbSNP rs74571271, ClinGen allele CA006805.